The following is an entry in ClinVar:

NM_001122681.2(SH3BP2):c.574G>A (p.Gly192Arg)

Gene: SH3BP2 (SH3 domain binding protein 2; plus strand). Cytogenetic location: 4p16.3.
Variant type: single nucleotide variant.
Coding change: c.574G>A on transcript NM_001122681.2 (MANE Select); coding-DNA position 574, G replaced by A.
Protein change: p.Gly192Arg; replaces glycine 192 with arginine.
Molecular consequence: missense variant.
Genome position (GRCh38, 1-based): chr4:2,827,662, G>A. VCF-style: chr4-2827662-G-A. GRCh37 (hg19) VCF-style: chr4-2829389-G-A.
Other names: c.658G>A, p.Gly220Arg (NM_001145855.2); c.745G>A, p.Gly249Arg (NM_001145856.2); c.574G>A, p.Gly192Arg (NM_003023.4); short protein forms G192R, G220R, G249R.
Identifiers: ClinVar variation 1420703 (VCV001420703.8), dbSNP rs765339575, ClinGen allele CA2819247.
Genomic context (GRCh38, chr4:2,827,662, plus strand): 5'-GCAGACTATGAGCACGACGATGAGGATGACTCCTACCTGGAGCCTGACTCCCCGGAGCCC[G>A]GAAGGCTTGAGGGTAGGTGGGGCGGGTGGGCCCGGGGAGCTCTGGGTGTGTAGGAAGCAG-3'
Protein context (NP_001116153.1, residues 182-202): SYLEPDSPEP[Gly192Arg]RLEDALMHPP

ClinVar aggregate classification (germline): Uncertain significance. Review status: criteria provided, multiple submitters, no conflicts (2 of 4 stars). 3 submissions from 3 submitters: Uncertain significance (3). Last evaluated 2025-01-27.

Conditions:
Inborn genetic diseases. Identifiers: MedGen C0950123, MeSH D030342.
SH3BP2-related disorder. Also called: SH3BP2-related condition.
Fibrous dysplasia of jaw (CRBM). Also called: Cherubism. Identifiers: Orphanet 184, MedGen C0008029, MONDO:0007315, OMIM 118400.

Allele frequency attached by ClinVar (database versions not stated): gnomAD exomes 0.00002; TOPMed 0.00002; ExAC 0.00007.
gnomAD v4.1: 17 of 1,592,354 alleles (0.0011%); highest among the groups gnomAD compares: Admixed American, 0.0018%; no homozygotes.

Submissions (3):

PreventionGenetics, part of Exact Sciences
Classification: Uncertain significance for SH3BP2-related condition. Last evaluated: 2025-01-27. Review status: criteria provided, single submitter. Criteria: ACMG Guidelines, 2015. Collection method: clinical testing. Allele origin: germline.
Comment: The SH3BP2 c.574G>A variant is predicted to result in the amino acid substitution p.Gly192Arg. To our knowledge, this variant has not been reported in the literature. This variant is reported in 0.0055% of alleles in individuals of European (Non-Finnish) descent in gnomAD. At this time, the clinical significance of this variant is uncertain due to the absence of conclusive functional and genetic evidence.

Labcorp Genetics (formerly Invitae), Labcorp
Classification: Uncertain significance for Fibrous dysplasia of jaw. Last evaluated: 2024-09-18. Review status: criteria provided, single submitter. Criteria: Invitae Variant Classification Sherloc (09022015). Collection method: clinical testing. Allele origin: germline.
Comment: This sequence change replaces glycine, which is neutral and non-polar, with arginine, which is basic and polar, at codon 192 of the SH3BP2 protein (p.Gly192Arg). The frequency data for this variant in the population databases is considered unreliable, as metrics indicate poor data quality at this position in the gnomAD database. This variant has not been reported in the literature in individuals affected with SH3BP2-related conditions. ClinVar contains an entry for this variant (Variation ID: 1420703). Invitae Evidence Modeling of protein sequence and biophysical properties (such as structural, functional, and spatial information, amino acid conservation, physicochemical variation, residue mobility, and thermodynamic stability) has been performed for this missense variant. However, the output from this modeling did not meet the statistical confidence thresholds required to predict the impact of this variant on SH3BP2 protein function. In summary, the available evidence is currently insufficient to determine the role of this variant in disease. Therefore, it has been classified as a Variant of Uncertain Significance.

Ambry Genetics
Classification: Uncertain significance for Inborn genetic diseases. Last evaluated: 2024-09-04. Review status: criteria provided, single submitter. Criteria: Ambry Variant Classification Scheme 2023. Collection method: clinical testing. Allele origin: germline.